The following is an entry in ClinVar:

ClinVar aggregate classification (germline): Likely pathogenic. Review status: criteria provided, single submitter (1 of 4 stars). 2 submissions from 2 submitters: Likely pathogenic (1). 1 of the submissions does not count toward it. Last evaluated 2025-09-08.

Conditions:
Autosomal recessive limb-girdle muscular dystrophy type 2I. Also called: MUSCULAR DYSTROPHY-DYSTROGLYCANOPATHY (LIMB-GIRDLE), TYPE C, 5; MUSCULAR DYSTROPHY, LIMB-GIRDLE, TYPE 2I; MUSCULAR DYSTROPHY-DYSTROGLYCANOPATHY, LIMB-GIRDLE, FRKP-RELATED. Identifiers: Orphanet 34515, MedGen C1846672, MONDO:0011787, OMIM 607155.
Walker-Warburg congenital muscular dystrophy. Also called: Muscular dystrophy-dystroglycanopathy, type A; Walker-Warburg syndrome. Identifiers: Orphanet 899, MedGen C0265221, MONDO:0000171.

Submissions (2):

Labcorp Genetics (formerly Invitae), Labcorp
Classification: Likely pathogenic for Walker-Warburg congenital muscular dystrophy. Last evaluated: 2025-09-08. Review status: criteria provided, single submitter. Criteria: Invitae Variant Classification Sherloc (09022015). Collection method: clinical testing. Allele origin: germline.
Comment: This sequence change replaces arginine, which is basic and polar, with serine, which is neutral and polar, at codon 312 of the FKRP protein (p.Arg312Ser). This variant is not present in population databases (gnomAD no frequency). This missense change has been observed in individual(s) with FKRP-related conditions (PMID: 31069529). Invitae Evidence Modeling of protein sequence and biophysical properties (such as structural, functional, and spatial information, amino acid conservation, physicochemical variation, residue mobility, and thermodynamic stability) indicates that this missense variant is expected to disrupt FKRP protein function with a positive predictive value of 95%. This variant disrupts the p.Arg312 amino acid residue in FKRP. Other variant(s) that disrupt this residue have been determined to be pathogenic (internal data). This suggests that this residue is clinically significant, and that variants that disrupt this residue are likely to be disease-causing. In summary, the currently available evidence indicates that the variant is pathogenic, but additional data are needed to prove that conclusively. Therefore, this variant has been classified as Likely Pathogenic.

Natera, Inc.
Classification: Uncertain significance for Limb-girdle muscular dystrophy type 2I. Last evaluated: 2025-03-10. Review status: no assertion criteria provided. Collection method: clinical testing. Allele origin: germline. Not counted in ClinVar's aggregate classification.

Literature cited by the submitters: PubMed 31069529 (cited by Labcorp Genetics (formerly Invitae), Labcorp).

NM_024301.5(FKRP):c.934C>A (p.Arg312Ser)

Gene: FKRP (fukutin related protein; plus strand). Cytogenetic location: 19q13.32.
Variant type: single nucleotide variant.
Coding change: c.934C>A on transcript NM_024301.5 (MANE Select); coding-DNA position 934, C replaced by A.
Protein change: p.Arg312Ser; replaces arginine 312 with serine.
Molecular consequence: missense variant.
Genome position (GRCh38, 1-based): chr19:46,756,384, C>A. VCF-style: chr19-46756384-C-A. GRCh37 (hg19) VCF-style: chr19-47259641-C-A.
Other names: c.934C>A, p.Arg312Ser (NM_001039885.3); short protein forms R312S.
Identifiers: ClinVar variation 4068103 (VCV004068103.2).